The following is an entry in ClinVar:

NM_002691.4(POLD1):c.591C>A (p.Ser197Arg)

Gene: POLD1 (DNA polymerase delta 1, catalytic subunit; plus strand). Cytogenetic location: 19q13.33.
Variant type: single nucleotide variant.
Coding change: c.591C>A on transcript NM_002691.4 (MANE Select); coding-DNA position 591, C replaced by A.
Protein change: p.Ser197Arg; replaces serine 197 with arginine.
Molecular consequence: missense variant. On other transcripts: non-coding transcript variant (1).
Genome position (GRCh38, 1-based): chr19:50,402,206, C>A. VCF-style: chr19-50402206-C-A. GRCh37 (hg19) VCF-style: chr19-50905463-C-A.
Other names: c.591C>A, p.Ser197Arg (NM_001256849.1, NM_001308632.1, NM_001438210.1 and 3 more transcripts); short protein forms S197R.
Identifiers: ClinVar variation 4735691 (VCV004735691.1).

ClinVar aggregate classification (germline): Uncertain significance (1 of 4 stars; one submission).

Conditions:
POLD1-related polyposis and colorectal cancer syndrome (CRCS10). Also called: COLORECTAL CANCER, SUSCEPTIBILITY TO, ON CHROMOSOME 19q; Colorectal cancer 10; Colorectal cancer, susceptibility to, 10. Identifiers: Orphanet 220460, MedGen C2675481, MONDO:0012953, OMIM 612591.

Submission:

Labcorp Genetics (formerly Invitae), Labcorp
Classification: Uncertain significance for POLD1-related polyposis and colorectal cancer syndrome. Last evaluated: 2026-01-19. Review status: criteria provided, single submitter. Criteria: Invitae Variant Classification Sherloc (09022015). Collection method: clinical testing. Allele origin: germline.
Comment: This sequence change replaces serine, which is neutral and polar, with arginine, which is basic and polar, at codon 197 of the POLD1 protein (p.Ser197Arg). This variant is not present in population databases (gnomAD no frequency). This variant has not been reported in the literature in individuals affected with POLD1-related conditions. An algorithm developed to predict the effect of missense changes on protein structure and function (PolyPhen-2) suggests that this variant is likely to be tolerated. In summary, the available evidence is currently insufficient to determine the role of this variant in disease. Therefore, it has been classified as a Variant of Uncertain Significance.